The following is an entry in ClinVar:

ClinVar aggregate classification (germline): Likely pathogenic. Review status: reviewed by expert panel (3 of 4 stars). 2 submissions from 2 submitters: Likely pathogenic (1). 1 of the submissions does not count toward it. Last evaluated 2024-06-13.

Conditions:
X-linked severe combined immunodeficiency (SCIDX1). Also called: X-Linked Combined Immunodeficiency Diseases; IMMUNODEFICIENCY 4; SCID, X-LINKED; SEVERE COMBINED IMMUNODEFICIENCY, X-LINKED, T CELL-NEGATIVE, B CELL-POSITIVE, NK CELL-NEGATIVE; T-B+ severe combined immunodeficiency due to gamma chain deficiency. Identifiers: Orphanet 276, MedGen C6022468, MONDO:0010315, OMIM 300400. Disease mechanism: loss of function.

Submissions (2):

ClinGen Severe Combined Immunodeficiency Variant Curation Expert Panel, ClinGen
Classification: Likely pathogenic for X-linked severe combined immunodeficiency. Last evaluated: 2024-06-13. Review status: reviewed by expert panel. Criteria: ClinGen SCID ACMG Specifications IL2RG V1.0.0. Collection method: curation. Allele origin: germline. Inheritance: X-linked inheritance.
Comment: The c.116-2A>G (NM_000206.3) variant in IL2RG occurs within the canonical acceptor splice site (-2) of intron 1. The variant is predicted by SpliceAI to affect splicing. It is expected to cause skipping of a biologically relevant exon 2, resulting in a frameshift (p.Asp39Glyfs*57) leading to nonsense mediated decay in a gene in which loss of function is an established disease mechanism (PVS1). The variant is absent in gnomAD v4 (PM2_supporting). There are no publications for this variant in the literature. In summary, this variant meets the criteria to be classified as a Likely Pathogenic variant for X-linked severe combined immunodeficiency due to IL2RG deficiency based on the ACMG/AMP criteria applied, as specified by the ClinGen SCID VCEP: PVS1_Met, PM2_supporting (VCEP specifications version 1).

Labcorp Genetics (formerly Invitae), Labcorp
Classification: Likely pathogenic for X-linked severe combined immunodeficiency. Last evaluated: 2025-03-24. Review status: criteria provided, single submitter. Criteria: Invitae Variant Classification Sherloc (09022015). Collection method: clinical testing. Allele origin: germline. Not counted in ClinVar's aggregate classification.
Comment: This sequence change affects an acceptor splice site in intron 1 of the IL2RG gene. It is expected to disrupt RNA splicing. Variants that disrupt the donor or acceptor splice site typically lead to a loss of protein function (PMID: 16199547), and loss-of-function variants in IL2RG are known to be pathogenic (PMID: 9058718, 10794430). This variant is not present in population databases (gnomAD no frequency). Disruption of this splice site has been observed in individual(s) with clinical features of IL2RG-related conditions (internal data). ClinVar contains an entry for this variant (Variation ID: 1066837). Algorithms developed to predict the effect of sequence changes on RNA splicing suggest that this variant may disrupt the consensus splice site. In summary, the currently available evidence indicates that the variant is pathogenic, but additional data are needed to prove that conclusively. Therefore, this variant has been classified as Likely Pathogenic.

Literature cited by the submitters: PubMed 16199547 (cited by Labcorp Genetics (formerly Invitae), Labcorp); PubMed 9058718 (cited by Labcorp Genetics (formerly Invitae), Labcorp); PubMed 10794430 (cited by Labcorp Genetics (formerly Invitae), Labcorp).

NM_000206.3(IL2RG):c.116-2A>G

Genes: IL2RG (interleukin 2 receptor subunit gamma; minus strand), LOC126863274 (MED14-independent group 3 enhancer GRCh37_chrX:70330888-70332087; plus strand). Cytogenetic location: Xq13.1.
Variant type: single nucleotide variant.
Coding change: c.116-2A>G on transcript NM_000206.3 (MANE Select); the canonical splice acceptor site of the intron before coding-DNA position 116, A replaced by G.
Molecular consequence: splice acceptor variant.
Genome position (GRCh38, 1-based): chrX:71,111,052, T>C on the plus strand (A>G on the coding strand, the complement: IL2RG is on the minus strand). VCF-style: chrX-71111052-T-C. GRCh37 (hg19) VCF-style: chrX-70330902-T-C.
Identifiers: ClinVar variation 1066837 (VCV001066837.9), dbSNP rs2147751146, ClinGen allele CA413497314.
Genomic context (GRCh38, chrX:71,111,052, plus strand): 5'-TGGGAGGGGCAGAGTGGAAACACTGAGGGAGTCAGTGGGCATAGTGGTCAGGAAGAAATC[T>C]AGATTGGGGAGAAAATGAAGGCAGGGAGGGAAAGAGAAATGATGGTCAGAAGGAGGAGGC-3'